The following is an entry in ClinVar:

ClinVar aggregate classification (germline): Likely pathogenic (1 of 4 stars; one submission).

Conditions:
Sitosterolemia 2. Identifiers: MedGen C5231453, MONDO:0020748, OMIM 618666.

Submission:

3billion
Classification: Likely pathogenic for Sitosterolemia 2. Last evaluated: 2024-08-14. Review status: criteria provided, single submitter. Criteria: ACMG Guidelines, 2015. Collection method: clinical testing. Allele origin: germline. Affected: yes.
Comment: The variant is observed at an extremely low frequency in the gnomAD v4.0.0 dataset (total allele frequency: <0.001%). Predicted Consequence/Location: Frameshift: predicted to result in a loss or disruption of normal protein function through nonsense-mediated decay (NMD) or protein truncation. Multiple pathogenic variants are reported downstream of the variant. Therefore, this variant is classified as Likely pathogenic according to the recommendation of ACMG/AMP guideline.

NM_022436.3(ABCG5):c.575dup (p.Ile193fs)

Genes: ABCG5 (ATP binding cassette subfamily G member 5; minus strand), DYNC2LI1 (dynein cytoplasmic 2 light intermediate chain 1; plus strand). Cytogenetic location: 2p21.
Variant type: Duplication.
Coding change: c.575dup on transcript NM_022436.3 (MANE Select); coding-DNA position 575, one base duplicated (G; older notation c.575dupG).
Protein change: p.Ile193fs; shifts the reading frame from isoleucine 193.
Molecular consequence: frameshift variant. On other transcripts: 3 prime UTR variant (2).
Genome position (GRCh38, 1-based): chr2:43,828,042, C duplicated on the plus strand (G on the coding strand, the reverse complement: ABCG5 is on the minus strand); the first of 6 consecutive C bases (chr2:43,828,042-43,828,047); duplicating any one gives the same sequence. VCF-style (leftmost placement, unchanged base first): chr2-43828041-G-GC. GRCh37 (hg19) VCF-style: chr2-44055180-G-GC.
Other names: c.*677dup (NM_001348912.2, NM_001348913.2); short protein forms I193fs.
Identifiers: ClinVar variation 4293362 (VCV004293362.1).